The following is an entry in ClinVar:

NM_000186.4(CFH):c.859G>A (p.Gly287Arg)

Gene: CFH (complement factor H; plus strand). Cytogenetic location: 1q31.3.
Variant type: single nucleotide variant.
Coding change: c.859G>A on transcript NM_000186.4 (MANE Select); coding-DNA position 859, G replaced by A.
Protein change: p.Gly287Arg; replaces glycine 287 with arginine.
Molecular consequence: missense variant.
Genome position (GRCh38, 1-based): chr1:196,685,132, G>A. VCF-style: chr1-196685132-G-A. GRCh37 (hg19) VCF-style: chr1-196654262-G-A.
Other names: c.859G>A, p.Gly287Arg (NM_001014975.3); short protein forms G287R.
Identifiers: ClinVar variation 4719771 (VCV004719771.1).
Genomic context (GRCh38, chr1:196,685,132, plus strand): 5'-TGTGATAATCCTTATATTCCAAATGGTGACTACTCACCTTTAAGGATTAAACACAGAACT[G>A]GAGATGAAATCACGTACCAGTGTAGAAATGGTTTTTATCCTGCAACCCGGGGAAATACAG-3'
Protein context (NP_000177.2, residues 277-297): YSPLRIKHRT[Gly287Arg]DEITYQCRNG

ClinVar aggregate classification (germline): Uncertain significance (1 of 4 stars; one submission).

gnomAD v4.1: 1 of 1,612,708 alleles (0.000062%); highest among the groups gnomAD compares: Non-Finnish European, 0.000085%; no homozygotes.

Submission:

Labcorp Genetics (formerly Invitae), Labcorp
Classification: Uncertain significance. Last evaluated: 2025-05-18. Review status: criteria provided, single submitter. Criteria: Invitae Variant Classification Sherloc (09022015). Collection method: clinical testing. Allele origin: germline.
Comment: This sequence change replaces glycine, which is neutral and non-polar, with arginine, which is basic and polar, at codon 287 of the CFH protein (p.Gly287Arg). This variant is not present in population databases (gnomAD no frequency). This variant has not been reported in the literature in individuals affected with CFH-related conditions. An algorithm developed to predict the effect of missense changes on protein structure and function (PolyPhen-2) suggests that this variant is likely to be disruptive. In summary, the available evidence is currently insufficient to determine the role of this variant in disease. Therefore, it has been classified as a Variant of Uncertain Significance.